The following is an entry in ClinVar:

ClinVar aggregate classification (germline): Uncertain significance (1 of 4 stars; one submission).

Conditions:
Joubert syndrome. Also called: CEREBELLOPARENCHYMAL DISORDER IV; JOUBERT-BOLTSHAUSER SYNDROME; Familial aplasia of the vermis. Identifiers: Orphanet 475, MedGen C5979921, MONDO:0018772.
Meckel-Gruber syndrome. Also called: DYSENCEPHALIA SPLANCHNOCYSTICA; GRUBER SYNDROME; Dysencephalia splachnocystica. Identifiers: Orphanet 564, MedGen C0265215, MONDO:0018921.

Allele frequency attached by ClinVar (database versions not stated): gnomAD 0.00001; TOPMed 0.00001; gnomAD exomes below 0.00001.
gnomAD v4.1: 2 of 1,613,666 alleles (0.00012%); highest among the groups gnomAD compares: Admixed American, 0.0017%; no homozygotes.

Submission:

Labcorp Genetics (formerly Invitae), Labcorp
Classification: Uncertain significance for Joubert syndrome; Meckel-Gruber syndrome. Last evaluated: 2022-05-26. Review status: criteria provided, single submitter. Criteria: Invitae Variant Classification Sherloc (09022015). Collection method: clinical testing. Allele origin: germline.
Comment: In summary, the available evidence is currently insufficient to determine the role of this variant in disease. Therefore, it has been classified as a Variant of Uncertain Significance. Algorithms developed to predict the effect of missense changes on protein structure and function output the following: SIFT: "Tolerated"; PolyPhen-2: "Benign"; Align-GVGD: "Class C0". The alanine amino acid residue is found in multiple mammalian species, which suggests that this missense change does not adversely affect protein function. This variant has not been reported in the literature in individuals affected with TCTN1-related conditions. This variant is present in population databases (no rsID available, gnomAD 0.007%). This sequence change replaces threonine, which is neutral and polar, with alanine, which is neutral and non-polar, at codon 196 of the TCTN1 protein (p.Thr196Ala).

NM_001082538.3(TCTN1):c.586A>G (p.Thr196Ala)

Gene: TCTN1 (tectonic family member 1; plus strand). Cytogenetic location: 12q24.11.
Variant type: single nucleotide variant.
Coding change: c.586A>G on transcript NM_001082538.3 (MANE Select); coding-DNA position 586, A replaced by G.
Protein change: p.Thr196Ala; replaces threonine 196 with alanine.
Molecular consequence: missense variant. On other transcripts: non-coding transcript variant (1).
Genome position (GRCh38, 1-based): chr12:110,628,880, A>G. VCF-style: chr12-110628880-A-G. GRCh37 (hg19) VCF-style: chr12-111066685-A-G.
Other names: c.586A>G, p.Thr196Ala (NM_001319680.2, NM_024549.6, NM_001082537.3); c.52A>G, p.Thr18Ala (NM_001319681.2); c.418A>G, p.Thr140Ala (NM_001319682.3, NM_001173975.3); c.406A>G, p.Thr136Ala (NM_001173976.2); short protein forms T140A, T18A, T136A, T196A.
Identifiers: ClinVar variation 1908709 (VCV001908709.4), dbSNP rs973469807, ClinGen allele CA243558595.